The following is an entry in ClinVar:

NM_000709.4(BCKDHA):c.1008_1015del (p.His336fs)

Gene: BCKDHA (branched chain keto acid dehydrogenase E1 subunit alpha; plus strand). Cytogenetic location: 19q13.2.
Variant type: Deletion.
Coding change: c.1008_1015del on transcript NM_000709.4 (MANE Select); coding-DNA positions 1008 to 1015, 8 bases deleted (CAGCACCA; older notation c.1008_1015delCAGCACCA).
Protein change: p.His336fs; shifts the reading frame from histidine 336.
Molecular consequence: frameshift variant.
Genome position (GRCh38, 1-based): chr19:41,423,010-41,423,017, CAGCACCA deleted; deleting any 8 consecutive bases within chr19:41,423,004-41,423,017 gives the same sequence; the c. name uses the placement nearest the transcript's 3' end. VCF-style (leftmost placement, unchanged base first): chr19-41423003-GGCACCACA-G. GRCh37 (hg19) VCF-style: chr19-41928908-GGCACCACA-G.
Other names: c.1005_1012del, p.His335fs (NM_001164783.2); c.1008_1015del (NM_000709.3); short protein forms H335fs, H336fs.
Identifiers: ClinVar variation 557703 (VCV000557703.16), dbSNP rs1330793674, ClinGen allele CA507690771.

ClinVar aggregate classification (germline): Pathogenic/Likely pathogenic. Review status: criteria provided, multiple submitters, no conflicts (2 of 4 stars). 7 submissions from 7 submitters: Pathogenic (5); Likely pathogenic (1). 1 of the submissions does not count toward it. Last evaluated 2025-02-12.

Conditions:
Maple syrup urine disease type 1A (MSUD1A). Also called: MSUD type 1A. Identifiers: MedGen C1855369, MONDO:0023691, OMIM 248600.
Maple syrup urine disease (MSUD). Identifiers: Orphanet 511, MedGen C0024776, MeSH D008375, MONDO:0009563. Disease mechanism: loss of function.

Submissions (7):

Natera, Inc.
Classification: Pathogenic for Maple syrup urine disease type 1A. Last evaluated: 2025-02-12. Review status: criteria provided, single submitter. Criteria: Natera Variant Classification Schema (03/2026). Collection method: clinical testing. Allele origin: germline.
Comment: The c.1008_1015del variant in BCKDHA is a frameshift variant predicted to shift the reading frame beginning at codon 336 and leads to a stop codon 2 codons downstream. This variant is expected to result in nonsense mediated decay, truncation, or a dysfunctional protein product. This variant is rare in the general population with a frequency below the threshold expected for the associated phenotype(s). This variant has been observed in one or more individuals affected with the associated recessive disease, as either homozygous or compound heterozygous with a second variant (PMID: 31980395). Given the available evidence, this variant is classified as Pathogenic.

Fulgent Genetics
Classification: Pathogenic for Maple syrup urine disease type 1A. Last evaluated: 2024-03-22. Review status: criteria provided, single submitter. Criteria: ACMG Guidelines, 2015. Collection method: clinical testing. Allele origin: germline.

Baylor Genetics
Classification: Likely pathogenic for Maple syrup urine disease type 1A. Last evaluated: 2024-02-10. Review status: criteria provided, single submitter. Criteria: ACMG Guidelines, 2015. Collection method: clinical testing. Allele origin: unknown.

GeneDx
Classification: Pathogenic. Last evaluated: 2022-06-16. Review status: criteria provided, single submitter. Criteria: GeneDx Variant Classification Process June 2021. Collection method: clinical testing. Allele origin: germline. Affected: yes.
Comment: Frameshift variant predicted to result in protein truncation or nonsense mediated decay in a gene for which loss of function is a known mechanism of disease; Not observed at significant frequency in large population cohorts (gnomAD); This variant is associated with the following publications: (PMID: 31980395)

Genome-Nilou Lab
Classification: Pathogenic for Maple syrup urine disease type 1A. Last evaluated: 2021-11-07. Review status: criteria provided, single submitter. Criteria: ACMG Guidelines, 2015. Collection method: clinical testing. Allele origin: germline. Affected: no.

Labcorp Genetics (formerly Invitae), Labcorp
Classification: Pathogenic for Maple syrup urine disease. Last evaluated: 2020-12-06. Review status: criteria provided, single submitter. Criteria: Invitae Variant Classification Sherloc (09022015). Collection method: clinical testing. Allele origin: germline.
Comment: For these reasons, this variant has been classified as Pathogenic. This variant has not been reported in the literature in individuals with BCKDHA-related conditions. ClinVar contains an entry for this variant (Variation ID: 557703). This variant is not present in population databases (ExAC no frequency). This sequence change creates a premature translational stop signal (p.His336Glnfs*2) in the BCKDHA gene. It is expected to result in an absent or disrupted protein product. Loss-of-function variants in BCKDHA are known to be pathogenic (PMID: 16786533, 22593002).

Counsyl
Classification: Likely pathogenic for Maple syrup urine disease type 1A. Last evaluated: 2018-04-11. Review status: no assertion criteria provided. Collection method: clinical testing. Allele origin: unknown. Not counted in ClinVar's aggregate classification.

Literature cited by the submitters: PubMed 31980395 (cited by Natera, Inc.); PubMed 16786533 (cited by Labcorp Genetics (formerly Invitae), Labcorp); PubMed 22593002 (cited by Labcorp Genetics (formerly Invitae), Labcorp).